The following is an entry in ClinVar:

NM_001273.5(CHD4):c.3977A>T (p.Gln1326Leu)

Genes: CHD4 (chromodomain helicase DNA binding protein 4; minus strand), CHD4-AS1 (CHD4 antisense RNA 1; plus strand). Cytogenetic location: 12p13.31.
Variant type: single nucleotide variant.
Coding change: c.3977A>T on transcript NM_001273.5 (MANE Select); coding-DNA position 3977, A replaced by T.
Protein change: p.Gln1326Leu; replaces glutamine 1326 with leucine.
Molecular consequence: missense variant.
Genome position (GRCh38, 1-based): chr12:6,583,281, T>A on the plus strand (A>T on the coding strand, the complement: CHD4 is on the minus strand). VCF-style: chr12-6583281-T-A. GRCh37 (hg19) VCF-style: chr12-6692447-T-A.
Other names: c.3956A>T, p.Gln1319Leu (NM_001297553.2); c.3938A>T, p.Gln1313Leu (NM_001363606.2); short protein forms Q1319L, Q1313L, Q1326L.
Identifiers: ClinVar variation 1030328 (VCV001030328.1), dbSNP rs1274210289, ClinGen allele CA383577399.

ClinVar aggregate classification (germline): Uncertain significance (1 of 4 stars; one submission).

Conditions:
Sifrim-Hitz-Weiss syndrome (SIHIWES). Also called: CHD4 Neurodevelopmental Disorder; SIFRIM-HITZ-WEISS MULTIPLE CONGENITAL ANOMALIES-MENTAL RETARDATION SYNDROME. Identifiers: Orphanet 653712, MedGen C4310688, MONDO:0014946, OMIM 617159.

Submission:

Baylor Genetics
Classification: Uncertain significance for Sifrim-Hitz-Weiss syndrome. Last evaluated: 2020-02-12. Review status: criteria provided, single submitter. Criteria: ACMG Guidelines, 2015. Collection method: clinical testing. Allele origin: unknown. Affected: yes.
Comment: This variant was determined to be of uncertain significance according to ACMG Guidelines, 2015 [PMID:25741868].